The following is an entry in ClinVar:

ClinVar aggregate classification (germline): Benign/Likely benign. Review status: criteria provided, multiple submitters, no conflicts (2 of 4 stars). 12 submissions from 12 submitters: Benign (4); Likely benign (6). 2 of the submissions do not count toward it. Last evaluated 2026-02-03.

Conditions:
Renal cell carcinoma. Identifiers: Orphanet 217071, MedGen C0007134, MeSH D002292, MONDO:0005086, HP:0005584.
Hereditary cancer-predisposing syndrome. Also called: Tumor predisposition; Hereditary neoplastic syndrome; Hereditary Cancer Syndrome; Neoplastic Syndromes, Hereditary. Identifiers: Orphanet 140162, MedGen C0027672, MeSH D009386, MONDO:0015356.
Papillary renal cell carcinoma type 1 (RCCP1). Also called: Renal adenocarcinoma; Renal cell carcinoma 1; Renal cell carcinoma, somatic; RENAL CELL CARCINOMA, PAPILLARY, 1, SOMATIC. Identifiers: Orphanet 47044, MedGen C1336839, OMIM 605074, HP:0011797.

Allele frequency attached by ClinVar (database versions not stated): gnomAD 0.00243 and 0.00220; TOPMed 0.00252; ESP Exome Variant Server 0.00291; ExAC 0.00071; 1000 Genomes Project 30x 0.00156; 1000 Genomes Project 0.00160.
gnomAD v4.1: 702 of 1,613,674 alleles (0.044%); highest among the groups gnomAD compares: African/African-American, 0.8%; 3 homozygotes.

Submissions (14):

Labcorp Genetics (formerly Invitae), Labcorp
Classification: Benign for Renal cell carcinoma. Last evaluated: 2026-02-03. Review status: criteria provided, single submitter. Criteria: Invitae Variant Classification Sherloc (09022015). Collection method: clinical testing. Allele origin: germline.

Center for Genomic Medicine, Rigshospitalet, Copenhagen University Hospital
Classification: Likely benign. Last evaluated: 2025-12-29. Review status: criteria provided, single submitter. Criteria: ACMG Guidelines, 2015. Collection method: clinical testing. Allele origin: germline.

Dasa
Classification: Likely benign. Last evaluated: 2025-11-30. Review status: criteria provided, single submitter. Criteria: DASA Assertion Criteria. Collection method: clinical testing. Allele origin: germline.
Comment: NM_000245.4(MET):c.3522T>C (p.His1174=) is a synonymous variant predicted not to alter the encoded amino acid sequence. Population frequency is inconsistent with a disease-causing role for this variant. Computational prediction algorithms are consistent with a benign effect. Therefore, based on the currently available evidence, this variant is classified as likely benign.

CeGaT Center for Human Genetics Tuebingen
Classification: Likely benign. Last evaluated: 2025-08-01. Review status: criteria provided, single submitter. Criteria: CeGaT Center For Human Genetics Tuebingen Variant Classification Criteria Version 2. Collection method: clinical testing. Allele origin: germline. Affected: yes. Observed: 1 variant allele.
Comment: MET: BP4, BP7

Women's Health and Genetics/Laboratory Corporation of America, LabCorp
Classification: Benign. Last evaluated: 2025-05-23. Review status: criteria provided, single submitter. Criteria: LabCorp Variant Classification Summary - May 2015. Collection method: clinical testing. Allele origin: germline.

Blueprint Genetics
Classification: Likely benign. Last evaluated: 2024-10-09. Review status: criteria provided, single submitter. Criteria: ACMG Guidelines, 2015. Collection method: clinical testing. Allele origin: germline.

KCCC/NGS Laboratory, Kuwait Cancer Control Center
Classification: Benign for Papillary renal cell carcinoma type 1. Last evaluated: 2023-07-07. Review status: criteria provided, single submitter. Criteria: ACMG Guidelines, 2015. Collection method: clinical testing. Allele origin: germline. Affected: yes.

GeneDx
Classification: Likely benign. Last evaluated: 2021-05-17. Review status: criteria provided, single submitter. Criteria: GeneDx Variant Classification Process June 2021. Collection method: clinical testing. Allele origin: germline. Affected: yes.
Comment: This variant is associated with the following publications: (PMID: 24728327)

Sema4
Classification: Benign for Hereditary cancer-predisposing syndrome. Last evaluated: 2020-08-06. Review status: criteria provided, single submitter. Criteria: Sema4 Curation Guidelines. Collection method: curation. Allele origin: germline.

Ambry Genetics
Classification: Likely benign for Hereditary cancer-predisposing syndrome. Last evaluated: 2015-05-28. Review status: criteria provided, single submitter. Criteria: Ambry Variant Classification Scheme 2023. Collection method: clinical testing. Allele origin: germline.

Genetic Services Laboratory, University of Chicago
Classification: Likely benign. Last evaluated: 2022-05-12. Review status: no assertion criteria provided. Collection method: clinical testing. Allele origin: germline. Affected: no. Not counted in ClinVar's aggregate classification.

ITMI
No classification provided. Condition: AllHighlyPenetrant. Last evaluated: 2013-09-19. Review status: no classification provided. Collection method: reference population. Allele origin: germline. Not counted in ClinVar's aggregate classification.
Comment: Please see associated publication for description of ethnicities

Dr. Peter K. Rogan Lab, Western University
No classification provided (evidence only). Condition: Clear cell carcinoma of kidney. Review status: no classification provided. Collection method: in vitro. Allele origin: not applicable. Functional consequence: retained intron. Not counted in ClinVar's aggregate classification.

Dr. Peter K. Rogan Lab, Western University
No classification provided (evidence only). Condition: Cholangiocarcinoma. Review status: no classification provided. Collection method: in vitro. Allele origin: not applicable. Functional consequence: retained intron. Not counted in ClinVar's aggregate classification.

Literature cited by the submitters: PubMed 24728327 (cited by Ambry Genetics and ITMI).

NM_000245.4(MET):c.3522T>C (p.His1174=)

Gene: MET (MET proto-oncogene, receptor tyrosine kinase; plus strand). Cytogenetic location: 7q31.2.
Variant type: single nucleotide variant.
Coding change: c.3522T>C on transcript NM_000245.4 (MANE Select); coding-DNA position 3522, T replaced by C.
Protein change: p.His1174=; no amino-acid change (histidine 1174 retained).
Molecular consequence: synonymous variant.
Genome position (GRCh38, 1-based): chr7:116,778,957, T>C. VCF-style: chr7-116778957-T-C. GRCh37 (hg19) VCF-style: chr7-116419011-T-C.
Other names: c.3576T>C (LRG_662t1, NM_001127500.2); c.3576T>C, p.His1192= (NM_001127500.3); c.2232T>C, p.His744= (NM_001324402.2).
Identifiers: ClinVar variation 134645 (VCV000134645.35), dbSNP rs146651797, ClinGen allele CA160421.